The following is an entry in ClinVar:

NM_006852.6(TLK2):c.1122-167A>G

Gene: TLK2 (tousled like kinase 2; plus strand). Cytogenetic location: 17q23.2.
Variant type: single nucleotide variant.
Coding change: c.1122-167A>G on transcript NM_006852.6 (MANE Select); 167 bases into the intron before coding-DNA position 1122, A replaced by G.
Molecular consequence: intron variant.
Genome position (GRCh38, 1-based): chr17:62,576,542, A>G. VCF-style: chr17-62576542-A-G. GRCh37 (hg19) VCF-style: chr17-60653903-A-G.
Other names: c.1122-167A>G (NM_001375271.1, NM_001375270.1); c.1026-167A>G (NM_001438204.1, NM_001375272.1, NM_001438203.1 and 1 more transcripts); c.675-167A>G (NM_001375273.1, NM_001330418.3); c.837-167A>G (NM_001411074.1); c.933-167A>G (NM_001438205.1); c.1188-167A>G (NM_001284333.3); c.1164-167A>G (NM_001375269.1).
Identifiers: ClinVar variation 4819162 (VCV004819162.2).

ClinVar aggregate classification (germline): Pathogenic (1 of 4 stars; one submission).

Conditions:
Intellectual developmental disorder, autosomal dominant 57. Also called: MENTAL RETARDATION, AUTOSOMAL DOMINANT 57; Intellectual disability, autosomal dominant 57. Identifiers: MedGen C4748003, MONDO:0054837, OMIM 618050.

Submission:

Institute of Human Genetics, University of Leipzig Medical Center
Classification: Pathogenic for Intellectual developmental disorder, autosomal dominant 57. Last evaluated: 2026-01-14. Review status: criteria provided, single submitter. Criteria: ACMG Guidelines, 2015. Collection method: clinical testing. Allele origin: de novo. Inheritance: Autosomal dominant inheritance. Affected: yes.
Comment: Criteria applied: PVS1_RNA,PM2,PP4,PS2_MOD; RNA Analyses revealed insertion of a 38bp pseudoexon leading to a frameshift: r.1121_1122ins1122-209_1122-172, p.(Thr376Leufs*11). This variant was observed as de novo